The following is an entry in ClinVar:

NM_001211.6(BUB1B):c.508A>G (p.Lys170Glu)

Gene: BUB1B (BUB1 mitotic checkpoint serine/threonine kinase B; plus strand). Cytogenetic location: 15q15.1.
Variant type: single nucleotide variant.
Coding change: c.508A>G on transcript NM_001211.6 (MANE Select); coding-DNA position 508, A replaced by G.
Protein change: p.Lys170Glu; replaces lysine 170 with glutamic acid.
Molecular consequence: missense variant.
Genome position (GRCh38, 1-based): chr15:40,176,600, A>G. VCF-style: chr15-40176600-A-G. GRCh37 (hg19) VCF-style: chr15-40468801-A-G.
Other names: short protein forms K170E.
Identifiers: ClinVar variation 653178 (VCV000653178.13), dbSNP rs532319590, ClinGen allele CA7475497.
Genomic context (GRCh38, chr15:40,176,600, plus strand): 5'-TCACTTGCTCAGTTCTATATCTCATGGGCAGAAGAATATGAAGCTAGAGAAAACTTTAGG[A>G]AAGCAGATGCGATATTTCAGGAAGGGATTCAACAGAAGGCTGAACCACTAGAAAGACTAC-3'
Protein context (NP_001202.5, residues 160-180): EEYEARENFR[Lys170Glu]ADAIFQEGIQ

ClinVar aggregate classification (germline): Uncertain significance. Review status: criteria provided, multiple submitters, no conflicts (2 of 4 stars). 3 submissions from 3 submitters: Uncertain significance (3). Last evaluated 2025-02-15.

Conditions:
Inborn genetic diseases. Identifiers: MedGen C0950123, MeSH D030342.
Mosaic variegated aneuploidy syndrome 1 (MVA1). Also called: Warburton-Anyane-Yeboa syndrome. Identifiers: Orphanet 1052, MedGen C1850343, MONDO:0009759, OMIM 257300.

Allele frequency attached by ClinVar (database versions not stated): gnomAD below 0.00001 and 0.00003; TOPMed 0.00001; gnomAD exomes 0.00005 and 0.00010; ExAC 0.00010; 1000 Genomes Project 30x 0.00016; 1000 Genomes Project 0.00020.
gnomAD v4.1: 81 of 1,614,146 alleles (0.005%); highest among the groups gnomAD compares: South Asian, 0.085%; no homozygotes.

Submissions (3):

Labcorp Genetics (formerly Invitae), Labcorp
Classification: Uncertain significance for Mosaic variegated aneuploidy syndrome 1. Last evaluated: 2025-02-15. Review status: criteria provided, single submitter. Criteria: Invitae Variant Classification Sherloc (09022015). Collection method: clinical testing. Allele origin: germline.
Comment: This sequence change replaces lysine, which is basic and polar, with glutamic acid, which is acidic and polar, at codon 170 of the BUB1B protein (p.Lys170Glu). This variant is present in population databases (rs532319590, gnomAD 0.08%). This variant has not been reported in the literature in individuals affected with BUB1B-related conditions. ClinVar contains an entry for this variant (Variation ID: 653178). An algorithm developed to predict the effect of missense changes on protein structure and function (PolyPhen-2) suggests that this variant is likely to be disruptive. In summary, the available evidence is currently insufficient to determine the role of this variant in disease. Therefore, it has been classified as a Variant of Uncertain Significance.

Blueprint Genetics
Classification: Uncertain significance. Last evaluated: 2023-09-22. Review status: criteria provided, single submitter. Criteria: ACMG Guidelines, 2015. Collection method: clinical testing. Allele origin: germline.

Ambry Genetics
Classification: Uncertain significance for Inborn genetic diseases. Last evaluated: 2022-05-25. Review status: criteria provided, single submitter. Criteria: Ambry Variant Classification Scheme 2023. Collection method: clinical testing. Allele origin: germline.